The following is an entry in ClinVar:

ClinVar aggregate classification (germline): Conflicting classifications of pathogenicity. Review status: criteria provided, conflicting classifications (1 of 4 stars). 2 submissions from 2 submitters: Uncertain significance (1); Likely benign (1). Last evaluated 2025-03-09.

Conditions:
Dilated cardiomyopathy 1DD (CMD1DD). Identifiers: Orphanet 154, MedGen C2750995, MONDO:0013168, OMIM 613172.
Cardiovascular phenotype. Identifiers: MedGen CN230736.

Allele frequency attached by ClinVar (database versions not stated): gnomAD exomes 0.00001; TOPMed 0.00001.
gnomAD v4.1: 48 of 1,526,430 alleles (0.0031%); highest among the groups gnomAD compares: Non-Finnish European, 0.0039%; no homozygotes.

Submissions (2):

Labcorp Genetics (formerly Invitae), Labcorp
Classification: Likely benign for Dilated cardiomyopathy 1DD. Last evaluated: 2025-03-09. Review status: criteria provided, single submitter. Criteria: Invitae Variant Classification Sherloc (09022015). Collection method: clinical testing. Allele origin: germline.

Ambry Genetics
Classification: Uncertain significance for Cardiovascular phenotype. Last evaluated: 2025-02-26. Review status: criteria provided, single submitter. Criteria: Ambry Variant Classification Scheme 2023. Collection method: clinical testing. Allele origin: germline.
Comment: The p.Q18K variant (also known as c.52C>A), located in coding exon 1 of the RBM20 gene, results from a C to A substitution at nucleotide position 52. The glutamine at codon 18 is replaced by lysine, an amino acid with similar properties. This variant was reported in an individual in a sudden cardiac arrest cohort (Grondin S et al. Eur Heart J, 2022 Aug;43:3071-3081). This amino acid position is well conserved in available vertebrate species. In addition, the in silico prediction for this alteration is inconclusive. Based on the available evidence, the clinical significance of this variant remains unclear.

Literature cited by the submitters: PubMed 35352813 (cited by Ambry Genetics).

NM_001134363.3(RBM20):c.52C>A (p.Gln18Lys)

Gene: RBM20 (RNA binding motif protein 20; plus strand). Cytogenetic location: 10q25.2.
Variant type: single nucleotide variant.
Coding change: c.52C>A on transcript NM_001134363.3 (MANE Select); coding-DNA position 52, C replaced by A.
Protein change: p.Gln18Lys; replaces glutamine 18 with lysine.
Molecular consequence: missense variant.
Genome position (GRCh38, 1-based): chr10:110,644,506, C>A. VCF-style: chr10-110644506-C-A. GRCh37 (hg19) VCF-style: chr10-112404264-C-A.
Other names: c.52C>A (NM_001134363.1); short protein forms Q18K.
Identifiers: ClinVar variation 1419055 (VCV001419055.9), dbSNP rs960474640, ClinGen allele CA213903187.
Genomic context (GRCh38, chr10:110,644,506, plus strand): 5'-TCGCCCCGCATGGTGCTGGCAGCAGCCATGAGCCAGGACGCGGACCCCAGCGGTCCGGAG[C>A]AGCCGGACAGAGTTGCCTGCAGTGTGCCTGGTGCCCGGGCGTCCCCGGCACCCTCCGGCC-3'
Protein context (NP_001127835.2, residues 8-28): SQDADPSGPE[Gln18Lys]PDRVACSVPG